The following is an entry in ClinVar:

ClinVar aggregate classification (germline): Uncertain significance (1 of 4 stars; one submission).

Submission:

GeneDx
Classification: Uncertain significance. Last evaluated: 2025-02-13. Review status: criteria provided, single submitter. Criteria: GeneDx Variant Classification Process June 2021. Collection method: clinical testing. Allele origin: germline. Affected: yes.
Comment: Not observed at significant frequency in large population cohorts (gnomAD); In silico analysis supports that this missense variant has a deleterious effect on protein structure/function; Has not been previously published as pathogenic or benign to our knowledge

NM_030632.3(ASXL3):c.760C>G (p.Pro254Ala)

Gene: ASXL3 (ASXL transcriptional regulator 3; plus strand). Cytogenetic location: 18q12.1.
Variant type: single nucleotide variant.
Coding change: c.760C>G on transcript NM_030632.3 (MANE Select); coding-DNA position 760, C replaced by G.
Protein change: p.Pro254Ala; replaces proline 254 with alanine.
Molecular consequence: missense variant.
Genome position (GRCh38, 1-based): chr18:33,683,449, C>G. VCF-style: chr18-33683449-C-G. GRCh37 (hg19) VCF-style: chr18-31263413-C-G.
Other names: short protein forms P254A.
Identifiers: ClinVar variation 4075668 (VCV004075668.1).
Genomic context (GRCh38, chr18:33,683,449, plus strand): 5'-TGCTTGTTCATCACAGGGCACTTGAAATGGACCAAAGCTGAGGACATTGACATAGAAACC[C>G]CAGGATCTATTCTTGTCAACACTAACTTGAGGGCATTAATAAATAAACATACGTTTGCTT-3'
Protein context (NP_085135.1, residues 244-264): TKAEDIDIET[Pro254Ala]GSILVNTNLR